The following is an entry in ClinVar:

NM_000264.5(PTCH1):c.4214A>C (p.Asp1405Ala)

Gene: PTCH1 (patched 1; minus strand). Cytogenetic location: 9q22.32.
Variant type: single nucleotide variant.
Coding change: c.4214A>C on transcript NM_000264.5 (MANE Select); coding-DNA position 4214, A replaced by C.
Protein change: p.Asp1405Ala; replaces aspartic acid 1405 with alanine.
Molecular consequence: missense variant. On other transcripts: non-coding transcript variant (1).
Genome position (GRCh38, 1-based): chr9:95,447,042, T>G on the plus strand (A>C on the coding strand, the complement: PTCH1 is on the minus strand). VCF-style: chr9-95447042-T-G. GRCh37 (hg19) VCF-style: chr9-98209324-T-G.
Other names: c.4016A>C, p.Asp1339Ala (NM_001083602.3); c.4211A>C, p.Asp1404Ala (NM_001083603.3); c.3761A>C, p.Asp1254Ala (NM_001083604.3, NM_001083605.3, NM_001083606.3 and 1 more transcripts); c.4058A>C, p.Asp1353Ala (NM_001354918.2); short protein forms D1254A, D1353A, D1404A, D1405A, D1339A.
Identifiers: ClinVar variation 3784566 (VCV003784566.1).

ClinVar aggregate classification (germline): Uncertain significance (1 of 4 stars; one submission).

Conditions:
Hereditary cancer-predisposing syndrome. Also called: Neoplastic Syndromes, Hereditary; Hereditary Cancer Syndrome; Tumor predisposition; Hereditary neoplastic syndrome. Identifiers: Orphanet 140162, MedGen C0027672, MeSH D009386, MONDO:0015356.

gnomAD v4.1: 1 of 1,614,166 alleles (0.000062%); highest among the groups gnomAD compares: Admixed American, 0.0017%; no homozygotes.

Submission:

Ambry Genetics
Classification: Uncertain significance for Hereditary cancer-predisposing syndrome. Last evaluated: 2025-01-31. Review status: criteria provided, single submitter. Criteria: Ambry Variant Classification Scheme 2023. Collection method: clinical testing. Allele origin: germline.
Comment: The p.D1405A variant (also known as c.4214A>C), located in coding exon 23 of the PTCH1 gene, results from an A to C substitution at nucleotide position 4214. The aspartic acid at codon 1405 is replaced by alanine, an amino acid with dissimilar properties. This amino acid position is conserved. In addition, this alteration is predicted to be tolerated by in silico analysis. Based on the available evidence, the clinical significance of this variant remains unclear.